The following is an entry in ClinVar:

ClinVar aggregate classification (germline): Likely pathogenic (1 of 4 stars; one submission).

Conditions:
Charcot-Marie-Tooth disease axonal type 2CC. Also called: CHARCOT-MARIE-TOOTH NEUROPATHY, TYPE 2CC. Identifiers: MedGen C4310790, MONDO:0014836, OMIM 616924.

Submission:

Dasa
Classification: Likely pathogenic for Charcot-Marie-Tooth disease axonal type 2CC. Last evaluated: 2025-10-16. Review status: criteria provided, single submitter. Criteria: DASA Assertion Criteria. Collection method: clinical testing. Allele origin: germline.
Comment: NM_021076.4(NEFH):c.2158G>T (p.Glu720*) is a nonsense variant in NEFH predicted to introduce a premature termination codon and is predicted to result in an absent or altered protein product. Loss of function is an established disease mechanism for NEFH-associated disorders. Also, this variant is absent from population databases. Based on the currently available evidence, this variant is classified as likely pathogenic.

NM_021076.4(NEFH):c.2158G>T (p.Glu720Ter)

Gene: NEFH (neurofilament heavy chain; plus strand). Cytogenetic location: 22q12.2.
Variant type: single nucleotide variant.
Coding change: c.2158G>T on transcript NM_021076.4 (MANE Select); coding-DNA position 2158, G replaced by T.
Protein change: p.Glu720Ter; replaces glutamic acid 720 with a stop codon.
Molecular consequence: nonsense.
Genome position (GRCh38, 1-based): chr22:29,489,798, G>T. VCF-style: chr22-29489798-G-T. GRCh37 (hg19) VCF-style: chr22-29885787-G-T.
Other names: short protein forms E720*.
Identifiers: ClinVar variation 4884228 (VCV004884228.2).